The following is an entry in ClinVar:

NM_001007228.2(SPOP):c.928G>A (p.Asp310Asn)

Gene: SPOP (speckle type BTB/POZ protein; minus strand). Cytogenetic location: 17q21.33.
Variant type: single nucleotide variant.
Coding change: c.928G>A on transcript NM_001007228.2 (MANE Select); coding-DNA position 928, G replaced by A.
Protein change: p.Asp310Asn; replaces aspartic acid 310 with asparagine.
Molecular consequence: missense variant.
Genome position (GRCh38, 1-based): chr17:49,601,917, C>T on the plus strand (G>A on the coding strand, the complement: SPOP is on the minus strand). VCF-style: chr17-49601917-C-T. GRCh37 (hg19) VCF-style: chr17-47679279-C-T.
Other names: c.928G>A, p.Asp310Asn (NM_001007226.1, NM_001007227.1, NM_001007229.1 and 5 more transcripts); short protein forms D310N.
Identifiers: ClinVar variation 5020167 (VCV005020167.1).
Genomic context (GRCh38, chr17:49,601,917, plus strand): 5'-CAACTCACTAGTTGATGAAATCCACTGCCTGAGTTTTCAACTGATCTGCACTGTGGAGGT[C>T]GGCCAGGATGAGAATTTCTGCAGCGTTCTCCACGGACAGGTTACTGCAGAGGGCATCCTC-3'
Protein context (NP_001007229.1, residues 300-320): ENAAEILILA[Asp310Asn]LHSADQLKTQ

ClinVar aggregate classification (germline): Uncertain significance (1 of 4 stars; one submission).

Submission:

Dasa
Classification: Uncertain significance. Last evaluated: 2026-08-12. Review status: criteria provided, single submitter. Criteria: DASA Assertion Criteria. Collection method: clinical testing. Allele origin: germline.
Comment: NM_001007228.2(SPOP):c.928G>A (p.Asp310Asn) is a missense variant that results in the substitution of aspartic acid with asparagine. This variant is rare in population databases. Computational prediction algorithms are consistent with a deleterious effect. The currently available literature and clinical evidence are not sufficient to establish a definitive association between this variant and the reported condition. Therefore, this variant is classified as a variant of uncertain significance.